The following is an entry in ClinVar:

NM_001379270.1(CNGA1):c.947C>G (p.Ser316Cys)

Genes: CNGA1 (cyclic nucleotide gated channel subunit alpha 1; minus strand), LOC101927157 (uncharacterized LOC101927157; plus strand). Cytogenetic location: 4p12.
Variant type: single nucleotide variant.
Coding change: c.947C>G on transcript NM_001379270.1 (MANE Select); coding-DNA position 947, C replaced by G.
Protein change: p.Ser316Cys; replaces serine 316 with cysteine.
Molecular consequence: missense variant.
Genome position (GRCh38, 1-based): chr4:47,937,535, G>C on the plus strand (C>G on the coding strand, the complement: CNGA1 is on the minus strand). VCF-style: chr4-47937535-G-C. GRCh37 (hg19) VCF-style: chr4-47939552-G-C.
Other names: c.947C>G, p.Ser316Cys (NM_000087.5, NM_001142564.2); short protein forms S316C.
Identifiers: ClinVar variation 967684 (VCV000967684.5), dbSNP rs62625014, ClinGen allele CA2911163.

ClinVar aggregate classification (germline): Uncertain significance. Review status: criteria provided, multiple submitters, no conflicts (2 of 4 stars). 2 submissions from 2 submitters: Uncertain significance (2). Last evaluated 2024-07-18.

gnomAD v4.1: 13 of 1,614,062 alleles (0.00081%); highest among the groups gnomAD compares: Admixed American, 0.0017%; no homozygotes.

Submissions (2):

Women's Health and Genetics/Laboratory Corporation of America, LabCorp
Classification: Uncertain significance. Last evaluated: 2024-07-18. Review status: criteria provided, single submitter. Criteria: LabCorp Variant Classification Summary - May 2015. Collection method: clinical testing. Allele origin: germline.
Comment: Variant summary: CNGA1 c.947C>G (p.Ser316Cys) results in a non-conservative amino acid change located in the Ion transport domain (IPR005821) of the encoded protein sequence. Three of four in-silico tools predict a damaging effect of the variant on protein function. The variant allele was found at a frequency of 2.4e-05 in 249220 control chromosomes. The available data on variant occurrences in the general population are insufficient to allow any conclusion about variant significance. To our knowledge, no occurrence of c.947C>G in individuals affected with Retinitis Pigmentosa and no experimental evidence demonstrating its impact on protein function have been reported. ClinVar contains an entry for this variant (Variation ID: 967684). Based on the evidence outlined above, the variant was classified as uncertain significance.

Labcorp Genetics (formerly Invitae), Labcorp
Classification: Uncertain significance. Last evaluated: 2022-08-22. Review status: criteria provided, single submitter. Criteria: Invitae Variant Classification Sherloc (09022015). Collection method: clinical testing. Allele origin: germline.
Comment: This sequence change replaces serine, which is neutral and polar, with cysteine, which is neutral and slightly polar, at codon 320 of the CNGA1 protein (p.Ser320Cys). This variant is present in population databases (rs62625014, gnomAD 0.005%). This variant has not been reported in the literature in individuals affected with CNGA1-related conditions. ClinVar contains an entry for this variant (Variation ID: 967684). Algorithms developed to predict the effect of missense changes on protein structure and function are either unavailable or do not agree on the potential impact of this missense change (SIFT: "Tolerated"; PolyPhen-2: "Probably Damaging"; Align-GVGD: "Class C0"). This variant disrupts the p.Ser320 amino acid residue in CNGA1. Other variant(s) that disrupt this residue have been determined to be pathogenic (PMID: 7479749, 24265693, 25326637). This suggests that this residue is clinically significant, and that variants that disrupt this residue are likely to be disease-causing. In summary, the available evidence is currently insufficient to determine the role of this variant in disease. Therefore, it has been classified as a Variant of Uncertain Significance.

Literature cited by the submitters: PubMed 7479749 (cited by Labcorp Genetics (formerly Invitae), Labcorp); PubMed 24265693 (cited by Labcorp Genetics (formerly Invitae), Labcorp); PubMed 25326637 (cited by Labcorp Genetics (formerly Invitae), Labcorp).